The following is an entry in ClinVar:

ClinVar aggregate classification (germline): Uncertain significance. Review status: criteria provided, multiple submitters, no conflicts (2 of 4 stars). 3 submissions from 3 submitters: Uncertain significance (3). Last evaluated 2026-08-01.

Conditions:
Inborn genetic diseases. Identifiers: MedGen C0950123, MeSH D030342.

Allele frequency attached by ClinVar (database versions not stated): gnomAD 0.00001; gnomAD exomes 0.00001; ExAC 0.00002; TOPMed 0.00002.
gnomAD v4.1: 11 of 1,614,048 alleles (0.00068%); highest among the groups gnomAD compares: Admixed American, 0.0033%; no homozygotes.

Submissions (3):

CeGaT Center for Human Genetics Tuebingen
Classification: Uncertain significance. Last evaluated: 2026-08-01. Review status: criteria provided, single submitter. Criteria: CeGaT Center For Human Genetics Tuebingen Variant Classification Criteria Version 2. Collection method: clinical testing. Allele origin: germline. Affected: yes. Observed: 1 variant allele.

Labcorp Genetics (formerly Invitae), Labcorp
Classification: Uncertain significance. Last evaluated: 2025-08-12. Review status: criteria provided, single submitter. Criteria: Invitae Variant Classification Sherloc (09022015). Collection method: clinical testing. Allele origin: germline.
Comment: This sequence change replaces tyrosine, which is neutral and polar, with histidine, which is basic and polar, at codon 1090 of the SCN3A protein (p.Tyr1090His). This variant is present in population databases (rs780784373, gnomAD 0.003%). This variant has not been reported in the literature in individuals affected with SCN3A-related conditions. ClinVar contains an entry for this variant (Variation ID: 646043). Invitae Evidence Modeling of protein sequence and biophysical properties (such as structural, functional, and spatial information, amino acid conservation, physicochemical variation, residue mobility, and thermodynamic stability) indicates that this missense variant is not expected to disrupt SCN3A protein function with a negative predictive value of 95%. In summary, the available evidence is currently insufficient to determine the role of this variant in disease. Therefore, it has been classified as a Variant of Uncertain Significance.

Ambry Genetics
Classification: Uncertain significance for Inborn genetic diseases. Last evaluated: 2024-12-04. Review status: criteria provided, single submitter. Criteria: Ambry Variant Classification Scheme 2023. Collection method: clinical testing. Allele origin: germline.

NM_006922.4(SCN3A):c.3268T>C (p.Tyr1090His)

Gene: SCN3A (sodium voltage-gated channel alpha subunit 3; minus strand). Cytogenetic location: 2q24.3.
Variant type: single nucleotide variant.
Coding change: c.3268T>C on transcript NM_006922.4 (MANE Select); coding-DNA position 3268, T replaced by C.
Protein change: p.Tyr1090His; replaces tyrosine 1090 with histidine.
Molecular consequence: missense variant.
Genome position (GRCh38, 1-based): chr2:165,127,756, A>G on the plus strand (T>C on the coding strand, the complement: SCN3A is on the minus strand). VCF-style: chr2-165127756-A-G. GRCh37 (hg19) VCF-style: chr2-165984266-A-G.
Other names: c.3121T>C, p.Tyr1041His (NM_001081676.2, NM_001081677.2); short protein forms Y1090H, Y1041H.
Identifiers: ClinVar variation 646043 (VCV000646043.10), dbSNP rs780784373, ClinGen allele CA1938829.